The following is an entry in ClinVar:

NM_001370259.2(MEN1):c.*5C>G

Gene: MEN1 (menin 1; minus strand). Cytogenetic location: 11q13.1.
Variant type: single nucleotide variant.
Coding change: c.*5C>G on transcript NM_001370259.2 (MANE Select); 5 bases downstream of the stop codon, C replaced by G.
Molecular consequence: 3 prime UTR variant. On other transcripts: non-coding transcript variant (4).
Genome position (GRCh38, 1-based): chr11:64,804,329, G>C on the plus strand (C>G on the coding strand, the complement: MEN1 is on the minus strand). VCF-style: chr11-64804329-G-C. GRCh37 (hg19) VCF-style: chr11-64571801-G-C.
Other names: c.*5C>G (NM_000244.4, NM_001370251.2, NM_001370260.2 and 20 more transcripts).
Identifiers: ClinVar variation 3073162 (VCV003073162.1), dbSNP rs2136076503, ClinGen allele CA2724513068.

ClinVar aggregate classification (germline): Likely benign (1 of 4 stars; one submission).

Conditions:
Multiple endocrine neoplasia, type 1 (MEN1). Also called: MEN I; WERMER SYNDROME; Endocrine adenomatosis multiple; MEN 1; MEA I. Identifiers: Orphanet 652, MedGen C0025267, MeSH D018761, MONDO:0007540, OMIM 131100.

Submission:

All of Us Research Program, National Institutes of Health
Classification: Likely benign for Multiple endocrine neoplasia, type 1. Last evaluated: 2023-08-23. Review status: criteria provided, single submitter. Criteria: ACMG Guidelines, 2015. Collection method: clinical testing. Allele origin: germline. Inheritance: Autosomal dominant inheritance. Observed: 1 variant allele, 1 heterozygote.
Comment: This study involves interpretation of variants in research participants for the purpose of population health screening. Participant phenotype was not available at the time of variant classification. Additional details can be found in publication PMID: 35346344, PMCID: PMC8962531